The following is an entry in ClinVar:

ClinVar aggregate classification (germline): Benign. Review status: criteria provided, multiple submitters, no conflicts (2 of 4 stars). 2 submissions from 2 submitters: Benign (2). Last evaluated 2018-01-13.

Conditions:
Peters plus syndrome. Also called: KRAUSE-KIVLIN SYNDROME. Identifiers: Orphanet 709, MedGen C0796012, MONDO:0009856, OMIM 261540.

Allele frequency attached by ClinVar (database versions not stated): 1000 Genomes Project 30x 0.05137; 1000 Genomes Project 0.05232; TOPMed 0.05618; gnomAD 0.05717 and 0.05812.

Submissions (2):

Illumina Laboratory Services, Illumina
Classification: Benign for Peters plus syndrome. Last evaluated: 2018-01-13. Review status: criteria provided, single submitter. Criteria: ICSL Variant Classification Criteria 13 December 2019. Collection method: clinical testing. Allele origin: germline.
Comment: This variant was observed in the ICSL laboratory as part of a predisposition screen in an ostensibly healthy population. It had not been previously curated by ICSL or reported in the Human Gene Mutation Database (HGMD: prior to June 1st, 2018), and was therefore a candidate for classification through an automated scoring system. Utilizing variant allele frequency, disease prevalence and penetrance estimates, and inheritance mode, an automated score was calculated to assess if this variant is too frequent to cause the disease. Based on the score and internal cut-off values, a variant classified as benign is not then subjected to further curation. The score for this variant resulted in a classification of benign for this disease.

Breakthrough Genomics
Classification: Benign. Review status: criteria provided, single submitter. Criteria: ACMG Guidelines, 2015. Collection method: not provided. Allele origin: germline. Inheritance: Autosomal recessive inheritance. Affected: yes.

NM_194318.4(B3GLCT):c.*1693G>C

Gene: B3GLCT (beta 3-glucosyltransferase; plus strand). Cytogenetic location: 13q12.3.
Variant type: single nucleotide variant.
Coding change: c.*1693G>C on transcript NM_194318.4 (MANE Select); 1693 bases downstream of the stop codon, G replaced by C.
Molecular consequence: 3 prime UTR variant.
Genome position (GRCh38, 1-based): chr13:31,331,361, G>C. VCF-style: chr13-31331361-G-C. GRCh37 (hg19) VCF-style: chr13-31905498-G-C.
Identifiers: ClinVar variation 883167 (VCV000883167.5), dbSNP rs17703938, ClinGen allele CA13925448.